The following is an entry in ClinVar:

NM_007198.4(PLPBP):c.319+1G>C

Gene: PLPBP (pyridoxal phosphate binding protein; plus strand). Cytogenetic location: 8p11.23.
Variant type: single nucleotide variant.
Coding change: c.319+1G>C on transcript NM_007198.4 (MANE Select); the canonical splice donor site of the intron after coding-DNA position 319, G replaced by C.
Molecular consequence: splice donor variant.
Genome position (GRCh38, 1-based): chr8:37,766,356, G>C. VCF-style: chr8-37766356-G-C. GRCh37 (hg19) VCF-style: chr8-37623874-G-C.
Other names: c.424+1G>C (NM_001349349.1); c.319+1G>C (NM_001349346.2); c.313+1G>C (NM_001349347.2); c.163+1G>C (NM_001349348.2).
Identifiers: ClinVar variation 2797687 (VCV002797687.3), dbSNP rs2487372034, ClinGen allele CA370667192.

ClinVar aggregate classification (germline): Likely pathogenic (1 of 4 stars; one submission).

Submission:

Labcorp Genetics (formerly Invitae), Labcorp
Classification: Likely pathogenic. Last evaluated: 2023-03-16. Review status: criteria provided, single submitter. Criteria: Invitae Variant Classification Sherloc (09022015). Collection method: clinical testing. Allele origin: germline.
Comment: Algorithms developed to predict the effect of sequence changes on RNA splicing suggest that this variant may disrupt the consensus splice site. In summary, the currently available evidence indicates that the variant is pathogenic, but additional data are needed to prove that conclusively. Therefore, this variant has been classified as Likely Pathogenic. This variant has not been reported in the literature in individuals affected with PROSC-related conditions. This variant is not present in population databases (gnomAD no frequency). This sequence change affects a donor splice site in intron 4 of the PROSC gene. It is expected to disrupt RNA splicing. Variants that disrupt the donor or acceptor splice site typically lead to a loss of protein function (PMID: 16199547), and loss-of-function variants in PROSC are known to be pathogenic (PMID: 27912044).

Literature cited by the submitters: PubMed 16199547; PubMed 27912044.